The following is an entry in ClinVar:

NM_024537.4(CARS2):c.859A>G (p.Ile287Val)

Gene: CARS2 (cysteinyl-tRNA synthetase 2, mitochondrial; minus strand). Cytogenetic location: 13q34.
Variant type: single nucleotide variant.
Coding change: c.859A>G on transcript NM_024537.4 (MANE Select); coding-DNA position 859, A replaced by G.
Protein change: p.Ile287Val; replaces isoleucine 287 with valine.
Molecular consequence: missense variant. On other transcripts: non-coding transcript variant (2).
Genome position (GRCh38, 1-based): chr13:110,667,400, T>C on the plus strand (A>G on the coding strand, the complement: CARS2 is on the minus strand). VCF-style: chr13-110667400-T-C. GRCh37 (hg19) VCF-style: chr13-111319747-T-C.
Other names: c.73A>G, p.Ile25Val (NM_001352252.2); c.859A>G, p.Ile287Val (NM_001352253.3); short protein forms I287V, I25V.
Identifiers: ClinVar variation 2115275 (VCV002115275.4), dbSNP rs2501961573, ClinGen allele CA388750531.

ClinVar aggregate classification (germline): Uncertain significance (1 of 4 stars; one submission).

Conditions:
Combined oxidative phosphorylation defect type 27. Also called: Combined oxidative phosphorylation deficiency 27. Identifiers: Orphanet 477774, MedGen C5567608, MONDO:0014728, OMIM 616672.

Allele frequency attached by ClinVar (database versions not stated): gnomAD exomes below 0.00001.
gnomAD v4.1: 1 of 1,613,848 alleles (0.000062%); highest among the groups gnomAD compares: Non-Finnish European, 0.000085%; no homozygotes.

Submission:

Labcorp Genetics (formerly Invitae), Labcorp
Classification: Uncertain significance for Combined oxidative phosphorylation defect type 27. Last evaluated: 2022-03-20. Review status: criteria provided, single submitter. Criteria: Invitae Variant Classification Sherloc (09022015). Collection method: clinical testing. Allele origin: germline.
Comment: In summary, the available evidence is currently insufficient to determine the role of this variant in disease. Therefore, it has been classified as a Variant of Uncertain Significance. Algorithms developed to predict the effect of missense changes on protein structure and function are either unavailable or do not agree on the potential impact of this missense change (SIFT: "Tolerated"; PolyPhen-2: "Possibly Damaging"; Align-GVGD: "Class C0"). This variant has not been reported in the literature in individuals affected with CARS2-related conditions. This variant is not present in population databases (gnomAD no frequency). This sequence change replaces isoleucine, which is neutral and non-polar, with valine, which is neutral and non-polar, at codon 287 of the CARS2 protein (p.Ile287Val).